The following is an entry in ClinVar:

ClinVar aggregate classification (germline): Uncertain significance (1 of 4 stars; one submission).

Submission:

Labcorp Genetics (formerly Invitae), Labcorp
Classification: Uncertain significance. Last evaluated: 2024-06-03. Review status: criteria provided, single submitter. Criteria: Invitae Variant Classification Sherloc (09022015). Collection method: clinical testing. Allele origin: germline.
Comment: This sequence change replaces methionine, which is neutral and non-polar, with arginine, which is basic and polar, at codon 759 of the TNS2 protein (p.Met759Arg). This variant is not present in population databases (gnomAD no frequency). This variant has not been reported in the literature in individuals affected with TNS2-related conditions. An algorithm developed to predict the effect of missense changes on protein structure and function (PolyPhen-2) suggests that this variant is likely to be tolerated. In summary, the available evidence is currently insufficient to determine the role of this variant in disease. Therefore, it has been classified as a Variant of Uncertain Significance.

NM_170754.4(TNS2):c.2246T>G (p.Met749Arg)

Gene: TNS2 (tensin 2; plus strand). Cytogenetic location: 12q13.13.
Variant type: single nucleotide variant.
Coding change: c.2246T>G on transcript NM_170754.4 (MANE Select); coding-DNA position 2246, T replaced by G.
Protein change: p.Met749Arg; replaces methionine 749 with arginine.
Molecular consequence: missense variant.
Genome position (GRCh38, 1-based): chr12:53,059,887, T>G. VCF-style: chr12-53059887-T-G. GRCh37 (hg19) VCF-style: chr12-53453671-T-G.
Other names: c.2273T>G, p.Met758Arg (NM_001416204.1); c.2177T>G, p.Met726Arg (NM_015319.3); c.1874T>G, p.Met625Arg (NM_198316.2); c.2246T>G, p.Met749Arg (NM_001416202.1); c.2204T>G, p.Met735Arg (NM_001416203.1); short protein forms M749R, M625R, M726R, M758R, M735R.
Identifiers: ClinVar variation 2757896 (VCV002757896.3), dbSNP rs2539648772, ClinGen allele CA385012958.